The following is an entry in ClinVar:

ClinVar aggregate classification (germline): Likely benign. Review status: criteria provided, multiple submitters, no conflicts (2 of 4 stars). 2 submissions from 2 submitters: Likely benign (2). Last evaluated 2026-06-12.

Conditions:
Polyps, multiple and recurrent inflammatory fibroid, gastrointestinal. Identifiers: MedGen C5193005, MONDO:0008285, OMIM 175510.
Gastrointestinal stromal tumor. Also called: Gastrointestinal stroma tumor; Gastrointestinal stromal tumor, somatic. Identifiers: Orphanet 44890, MedGen C0238198, MeSH D046152, MONDO:0011719, OMIM 606764, HP:0100723.

Allele frequency attached by ClinVar (database versions not stated): ExAC 0.00001; gnomAD exomes 0.00001; gnomAD 0.00002; TOPMed 0.00002.
gnomAD v4.1: 13 of 1,613,864 alleles (0.00081%); highest among the groups gnomAD compares: Admixed American, 0.0033%; no homozygotes.

Submissions (2):

Myriad Genetics, Inc.
Classification: Likely benign for Polyps, multiple and recurrent inflammatory fibroid, gastrointestinal. Last evaluated: 2026-06-12. Review status: criteria provided, single submitter. Criteria: Myriad Autosomal Dominant, Autosomal Recessive and X-Linked Classification Criteria (2023). Collection method: clinical testing. Allele origin: unknown.
Comment: This variant is considered likely benign. This variant is intronic and is not expected to impact mRNA splicing.

Labcorp Genetics (formerly Invitae), Labcorp
Classification: Likely benign for Gastrointestinal stromal tumor. Last evaluated: 2025-12-08. Review status: criteria provided, single submitter. Criteria: Invitae Variant Classification Sherloc (09022015). Collection method: clinical testing. Allele origin: germline.

NM_006206.6(PDGFRA):c.931+10G>A

Gene: PDGFRA (platelet derived growth factor receptor alpha; plus strand). Cytogenetic location: 4q12.
Variant type: single nucleotide variant.
Coding change: c.931+10G>A on transcript NM_006206.6 (MANE Select); 10 bases into the intron after coding-DNA position 931, G replaced by A.
Molecular consequence: intron variant.
Genome position (GRCh38, 1-based): chr4:54,267,470, G>A. VCF-style: chr4-54267470-G-A. GRCh37 (hg19) VCF-style: chr4-55133637-G-A.
Other names: c.1006+10G>A (NM_001347828.2); c.931+10G>A (NM_001347827.2, NM_001347829.2); c.970+10G>A (NM_001347830.2).
Identifiers: ClinVar variation 459130 (VCV000459130.13), dbSNP rs779387423, ClinGen allele CA2922421.